The following is an entry in ClinVar:

ClinVar aggregate classification (germline): Uncertain significance (1 of 4 stars; one submission).

Conditions:
FGFR3-related chondrodysplasia. Identifiers: Orphanet 93420, MedGen C5681604, MONDO:0019685.

Submission:

Genomenon, Inc
Classification: Uncertain significance for FGFR3-related chondrodysplasia. Last evaluated: 2026-06-23. Review status: criteria provided, single submitter. Criteria: Genomenon Sequence Variant Interpretation Standards - Updated. Collection method: curation. Allele origin: germline. Affected: yes.
Comment: FGFR3 p.Thr394Lys (c.1181C>A) is a missense variant that changes the amino acid at codon 394 from Threonine to Lysine. This variant has been observed in at least one proband with an FGFR3-related disorder (PMID:25800480). It is absent or not present at a significant frequency in gnomAD. In silico models predict that this variant is possibly or probably damaging. In conclusion, we classify FGFR3 p.Thr394Lys (c.1181C>A) as a variant of uncertain significance.

Literature cited by the submitters: PubMed 25800480.

NM_000142.5(FGFR3):c.1181C>A (p.Thr394Lys)

Gene: FGFR3 (fibroblast growth factor receptor 3; plus strand). Cytogenetic location: 4p16.3.
Variant type: single nucleotide variant.
Coding change: c.1181C>A on transcript NM_000142.5 (MANE Select); coding-DNA position 1181, C replaced by A.
Protein change: p.Thr394Lys; replaces threonine 394 with lysine.
Molecular consequence: missense variant. On other transcripts: non-coding transcript variant (1), intron variant (1).
Genome position (GRCh38, 1-based): chr4:1,804,435, C>A. VCF-style: chr4-1804435-C-A. GRCh37 (hg19) VCF-style: chr4-1806162-C-A.
Other names: c.1187C>A, p.Thr396Lys (NM_001163213.2); c.1181C>A, p.Thr394Lys (NM_001354809.2, NM_001354810.2); c.931-389C>A (NM_022965.4); short protein forms T394K, T396K.
Identifiers: ClinVar variation 4857848 (VCV004857848.1).